The following is an entry in ClinVar:

ClinVar aggregate classification (germline): Uncertain significance. Review status: criteria provided, multiple submitters, no conflicts (2 of 4 stars). 2 submissions from 2 submitters: Uncertain significance (2). Last evaluated 2025-07-06.

Conditions:
Hereditary cancer-predisposing syndrome. Also called: Tumor predisposition; Hereditary neoplastic syndrome; Neoplastic Syndromes, Hereditary; Hereditary Cancer Syndrome. Identifiers: Orphanet 140162, MedGen C0027672, MeSH D009386, MONDO:0015356.

Allele frequency attached by ClinVar (database versions not stated): gnomAD exomes below 0.00001; gnomAD 0.00001; TOPMed 0.00001.

Submissions (2):

Labcorp Genetics (formerly Invitae), Labcorp
Classification: Uncertain significance. Last evaluated: 2025-07-06. Review status: criteria provided, single submitter. Criteria: Invitae Variant Classification Sherloc (09022015). Collection method: clinical testing. Allele origin: germline.
Comment: This sequence change replaces tyrosine, which is neutral and polar, with cysteine, which is neutral and slightly polar, at codon 248 of the SMARCB1 protein (p.Tyr248Cys). This variant is not present in population databases (gnomAD no frequency). This variant has not been reported in the literature in individuals affected with SMARCB1-related conditions. ClinVar contains an entry for this variant (Variation ID: 1008863). Invitae Evidence Modeling of protein sequence and biophysical properties (such as structural, functional, and spatial information, amino acid conservation, physicochemical variation, residue mobility, and thermodynamic stability) indicates that this missense variant is not expected to disrupt SMARCB1 protein function with a negative predictive value of 80%. In summary, the available evidence is currently insufficient to determine the role of this variant in disease. Therefore, it has been classified as a Variant of Uncertain Significance.

Ambry Genetics
Classification: Uncertain significance for Hereditary cancer-predisposing syndrome. Last evaluated: 2024-07-08. Review status: criteria provided, single submitter. Criteria: Ambry Variant Classification Scheme 2023. Collection method: clinical testing. Allele origin: germline.
Comment: The p.Y248C variant (also known as c.743A>G), located in coding exon 6 of the SMARCB1 gene, results from an A to G substitution at nucleotide position 743. The tyrosine at codon 248 is replaced by cysteine, an amino acid with highly dissimilar properties. This amino acid position is highly conserved in available vertebrate species. In addition, the in silico prediction for this alteration is inconclusive. This variant has been detected in multiple individuals with no reported features of SMARCB1-related Coffin-Siris syndrome (Ambry internal data). Based on the supporting evidence, the association of this alteration with SMARCB1-related tumor predisposition syndrome is unknown; however, the association of this alteration with Coffin-Siris syndrome is unlikely.

NM_003073.5(SMARCB1):c.743A>G (p.Tyr248Cys)

Gene: SMARCB1 (SWI/SNF related BAF chromatin remodeling complex subunit B1; plus strand). Cytogenetic location: 22q11.23.
Variant type: single nucleotide variant.
Coding change: c.743A>G on transcript NM_003073.5 (MANE Select); coding-DNA position 743, A replaced by G.
Protein change: p.Tyr248Cys; replaces tyrosine 248 with cysteine.
Molecular consequence: missense variant.
Genome position (GRCh38, 1-based): chr22:23,816,884, A>G. VCF-style: chr22-23816884-A-G. GRCh37 (hg19) VCF-style: chr22-24159071-A-G.
Other names: c.716A>G, p.Tyr239Cys (NM_001007468.3); c.770A>G, p.Tyr257Cys (NM_001317946.2); c.797A>G, p.Tyr266Cys (NM_001362877.2); short protein forms Y239C, Y248C, Y257C, Y266C.
Identifiers: ClinVar variation 1008863 (VCV001008863.10), dbSNP rs1444281296, ClinGen allele CA410901625.
Genomic context (GRCh38, chr22:23,816,884, plus strand): 5'-TGAACCCGCTGACGTTTGTGCCAGCCATCGCCTCTGCCATCAGACAGCAGATCGAGTCCT[A>G]CCCCACGGACAGCATCCTGGAGGACCAGTCAGACCAGCGCGTCATCATCAAGGTAGGTGA-3'
Protein context (NP_003064.2, residues 238-258): ASAIRQQIES[Tyr248Cys]PTDSILEDQS